The following is an entry in ClinVar:

ClinVar aggregate classification (germline): Uncertain significance (1 of 4 stars; one submission).

Submission:

Labcorp Genetics (formerly Invitae), Labcorp
Classification: Uncertain significance. Last evaluated: 2025-08-15. Review status: criteria provided, single submitter. Criteria: Invitae Variant Classification Sherloc (09022015). Collection method: clinical testing. Allele origin: germline.
Comment: This sequence change replaces isoleucine, which is neutral and non-polar, with phenylalanine, which is neutral and non-polar, at codon 257 of the CLCN7 protein (p.Ile257Phe). This variant is not present in population databases (gnomAD no frequency). This variant has not been reported in the literature in individuals affected with CLCN7-related conditions. ClinVar contains an entry for this variant (Variation ID: 3654962). An algorithm developed to predict the effect of missense changes on protein structure and function (PolyPhen-2) suggests that this variant is likely to be disruptive. In summary, the available evidence is currently insufficient to determine the role of this variant in disease. Therefore, it has been classified as a Variant of Uncertain Significance.

NM_001287.6(CLCN7):c.769A>T (p.Ile257Phe)

Gene: CLCN7 (Cl-/H+ antiporter 7; minus strand). Cytogenetic location: 16p13.3.
Variant type: single nucleotide variant.
Coding change: c.769A>T on transcript NM_001287.6 (MANE Select); coding-DNA position 769, A replaced by T.
Protein change: p.Ile257Phe; replaces isoleucine 257 with phenylalanine.
Molecular consequence: missense variant.
Genome position (GRCh38, 1-based): chr16:1,457,307, T>A on the plus strand (A>T on the coding strand, the complement: CLCN7 is on the minus strand). VCF-style: chr16-1457307-T-A. GRCh37 (hg19) VCF-style: chr16-1507308-T-A.
Other names: c.697A>T, p.Ile233Phe (NM_001114331.3); short protein forms I233F, I257F.
Identifiers: ClinVar variation 3654962 (VCV003654962.2).
Genomic context (GRCh38, chr16:1,457,307, plus strand): 5'-AACTCACCTTGAAATCTCGTTTCAGTGACGTTGACCTTCCCTGAGAGATCCCGGCGGCAA[T>A]CACTGAACCTGAGTGGATCATCGGCCCTTCCTGGAGACCAGAAGGACCGGTGCTCAGAGA-3'
Protein context (NP_001278.1, residues 247-267): EGPMIHSGSV[Ile257Phe]AAGISQGRST